The following is an entry in ClinVar:

NM_005188.4(CBL):c.2516G>C (p.Ser839Thr)

Gene: CBL (Cbl proto-oncogene; plus strand). Cytogenetic location: 11q23.3.
Variant type: single nucleotide variant.
Coding change: c.2516G>C on transcript NM_005188.4 (MANE Select); coding-DNA position 2516, G replaced by C.
Protein change: p.Ser839Thr; replaces serine 839 with threonine.
Molecular consequence: missense variant.
Genome position (GRCh38, 1-based): chr11:119,299,576, G>C. VCF-style: chr11-119299576-G-C. GRCh37 (hg19) VCF-style: chr11-119170286-G-C.
Other names: short protein forms S839T.
Identifiers: ClinVar variation 965072 (VCV000965072.11), dbSNP rs199771745, ClinGen allele CA6318801.
Genomic context (GRCh38, chr11:119,299,576, plus strand): 5'-TTCCCGAGAGGCCTCCAAAACCATTCCCGCGGAGAATCAACTCTGAACGGAAAGCTGGCA[G>C]CTGTCAGCAAGGTAGTGGTCCTGCCGCCTCTGCTGCCACCGCCTCACCTCAGCTCTCCAG-3'
Protein context (NP_005179.2, residues 829-849): RRINSERKAG[Ser839Thr]CQQGSGPAAS

ClinVar aggregate classification (germline): Conflicting classifications of pathogenicity. Review status: criteria provided, conflicting classifications (1 of 4 stars). 2 submissions from 2 submitters: Uncertain significance (1); Likely benign (1). Last evaluated 2025-01-06.

Conditions:
RASopathy. Also called: rasopathies; Noonan spectrum disorder. Identifiers: Orphanet 536391, MedGen C5555857, MONDO:0021060.
Cardiovascular phenotype. Identifiers: MedGen CN230736.

Allele frequency attached by ClinVar (database versions not stated): gnomAD exomes below 0.00001; TOPMed 0.00005; ESP Exome Variant Server 0.00008.
gnomAD v4.1: 9 of 1,614,060 alleles (0.00056%); highest among the groups gnomAD compares: African/African-American, 0.0067%; no homozygotes.

Submissions (2):

Labcorp Genetics (formerly Invitae), Labcorp
Classification: Likely benign for RASopathy. Last evaluated: 2025-01-06. Review status: criteria provided, single submitter. Criteria: Invitae Variant Classification Sherloc (09022015). Collection method: clinical testing. Allele origin: germline.

Ambry Genetics
Classification: Uncertain significance for Cardiovascular phenotype. Last evaluated: 2024-06-22. Review status: criteria provided, single submitter. Criteria: Ambry Variant Classification Scheme 2023. Collection method: clinical testing. Allele origin: germline.
Comment: The p.S839T variant (also known as c.2516G>C), located in coding exon 16 of the CBL gene, results from a G to C substitution at nucleotide position 2516. The serine at codon 839 is replaced by threonine, an amino acid with similar properties. This amino acid position is conserved. In addition, this alteration is predicted to be tolerated by in silico analysis. Since supporting evidence is limited at this time, the clinical significance of this alteration remains unclear.